The following is an entry in ClinVar:

NM_001673.5(ASNS):c.721A>G (p.Asn241Asp)

Genes: ASNS (asparagine synthetase (glutamine-hydrolyzing); minus strand), CZ1P-ASNS (CZ1P-ASNS readthrough; minus strand). Cytogenetic location: 7q21.3.
Variant type: single nucleotide variant.
Coding change: c.721A>G on transcript NM_001673.5 (MANE Select); coding-DNA position 721, A replaced by G.
Protein change: p.Asn241Asp; replaces asparagine 241 with aspartic acid.
Molecular consequence: missense variant. On other transcripts: non-coding transcript variant (1).
Genome position (GRCh38, 1-based): chr7:97,858,908, T>C on the plus strand (A>G on the coding strand, the complement: ASNS is on the minus strand). VCF-style: chr7-97858908-T-C. GRCh37 (hg19) VCF-style: chr7-97488220-T-C.
Other names: c.658A>G, p.Asn220Asp (NM_001178075.2); c.472A>G, p.Asn158Asp (NM_001178076.2, NM_001178077.1); c.721A>G, p.Asn241Asp (NM_001352496.2, NM_133436.3, NM_183356.4); short protein forms N220D, N158D, N241D.
Identifiers: ClinVar variation 1500602 (VCV001500602.8), dbSNP rs2115654998, ClinGen allele CA368268630.

ClinVar aggregate classification (germline): Uncertain significance (1 of 4 stars; one submission).

Submission:

Labcorp Genetics (formerly Invitae), Labcorp
Classification: Uncertain significance. Last evaluated: 2023-08-17. Review status: criteria provided, single submitter. Criteria: Invitae Variant Classification Sherloc (09022015). Collection method: clinical testing. Allele origin: germline.
Comment: In summary, the available evidence is currently insufficient to determine the role of this variant in disease. Therefore, it has been classified as a Variant of Uncertain Significance. This sequence change replaces asparagine, which is neutral and polar, with aspartic acid, which is acidic and polar, at codon 241 of the ASNS protein (p.Asn241Asp). This variant is not present in population databases (gnomAD no frequency). This variant has not been reported in the literature in individuals affected with ASNS-related conditions. ClinVar contains an entry for this variant (Variation ID: 1500602). Advanced modeling of protein sequence and biophysical properties (such as structural, functional, and spatial information, amino acid conservation, physicochemical variation, residue mobility, and thermodynamic stability) performed at Invitae indicates that this missense variant is not expected to disrupt ASNS protein function.